The following is an entry in ClinVar:

ClinVar aggregate classification (germline): Likely benign. Review status: criteria provided, single submitter (1 of 4 stars). 2 submissions from 2 submitters: Likely benign (1). 1 of the submissions does not count toward it. Last evaluated 2025-11-24.

Conditions:
IYD-related disorder. Also called: IYD-related condition.

Allele frequency attached by ClinVar (database versions not stated): TOPMed 0.00004; gnomAD 0.00005 and 0.00007; gnomAD exomes 0.00019 and 0.00029; ExAC 0.00035.

Submissions (2):

Labcorp Genetics (formerly Invitae), Labcorp
Classification: Likely benign. Last evaluated: 2025-11-24. Review status: criteria provided, single submitter. Criteria: Invitae Variant Classification Sherloc (09022015). Collection method: clinical testing. Allele origin: germline.

PreventionGenetics, part of Exact Sciences
Classification: Likely benign for IYD-related condition. Last evaluated: 2023-09-22. Review status: no assertion criteria provided. Collection method: clinical testing. Allele origin: germline. Not counted in ClinVar's aggregate classification.
Comment: This variant is classified as likely benign based on ACMG/AMP sequence variant interpretation guidelines (Richards et al. 2015 PMID: 25741868, with internal and published modifications).

NM_203395.3(IYD):c.286C>T (p.Leu96Phe)

Gene: IYD (iodotyrosine deiodinase; plus strand). Cytogenetic location: 6q25.1.
Variant type: single nucleotide variant.
Coding change: c.286C>T on transcript NM_203395.3 (MANE Select); coding-DNA position 286, C replaced by T.
Protein change: p.Leu96Phe; replaces leucine 96 with phenylalanine.
Molecular consequence: missense variant. On other transcripts: synonymous variant (1), non-coding transcript variant (1).
Genome position (GRCh38, 1-based): chr6:150,389,459, C>T. VCF-style: chr6-150389459-C-T. GRCh37 (hg19) VCF-style: chr6-150710595-C-T.
Other names: c.286C>T, p.Leu96Phe (NM_001164694.2, NM_001164695.2); c.108C>T, p.Asn36= (NM_001318495.2); c.286C>T (NM_001164694.1); short protein forms L96F.
Identifiers: ClinVar variation 799120 (VCV000799120.6), dbSNP rs769297797, ClinGen allele CA4046970.